The following is an entry in ClinVar:

NM_004544.4(NDUFA10):c.1032C>T (p.Asn344=)

Gene: NDUFA10 (NADH:ubiquinone oxidoreductase subunit A10; minus strand). Cytogenetic location: 2q37.3.
Variant type: single nucleotide variant.
Coding change: c.1032C>T on transcript NM_004544.4 (MANE Select); coding-DNA position 1032, C replaced by T.
Protein change: p.Asn344=; no amino-acid change (asparagine 344 retained).
Molecular consequence: synonymous variant. On other transcripts: missense variant (1), non-coding transcript variant (3).
Genome position (GRCh38, 1-based): chr2:239,961,154, G>A on the plus strand (C>T on the coding strand, the complement: NDUFA10 is on the minus strand). VCF-style: chr2-239961154-G-A. GRCh37 (hg19) VCF-style: chr2-240900571-G-A.
Other names: c.923C>T, p.Thr308Ile (NM_001322020.2); short protein forms T308I.
Identifiers: ClinVar variation 386300 (VCV000386300.1), dbSNP rs1019794328, ClinGen allele CA16604086.

ClinVar aggregate classification (germline): Likely benign (1 of 4 stars; one submission).

Allele frequency attached by ClinVar (database versions not stated): TOPMed below 0.00001.

Submission:

GeneDx
Classification: Likely benign. Last evaluated: 2016-06-09. Review status: criteria provided, single submitter. Criteria: GeneDx Variant Classification (06012015). Collection method: clinical testing. Allele origin: germline. Affected: yes.
Comment: This variant is considered likely benign or benign based on one or more of the following criteria: it is a conservative change, it occurs at a poorly conserved position in the protein, it is predicted to be benign by multiple in silico algorithms, and/or has population frequency not consistent with disease.